The following is an entry in ClinVar:

NM_001142800.2(EYS):c.1937A>C (p.Asp646Ala)

Gene: EYS (EGF-like photoreceptor maintenance factor; minus strand). Cytogenetic location: 6q12.
Variant type: single nucleotide variant.
Coding change: c.1937A>C on transcript NM_001142800.2 (MANE Select); coding-DNA position 1937, A replaced by C.
Protein change: p.Asp646Ala; replaces aspartic acid 646 with alanine.
Molecular consequence: missense variant.
Genome position (GRCh38, 1-based): chr6:65,295,949, T>G on the plus strand (A>C on the coding strand, the complement: EYS is on the minus strand). VCF-style: chr6-65295949-T-G. GRCh37 (hg19) VCF-style: chr6-66005842-T-G.
Other names: c.1937A>C (NM_001142800.1); c.1937A>C, p.Asp646Ala (NM_001292009.2); short protein forms D646A.
Identifiers: ClinVar variation 2201498 (VCV002201498.5), dbSNP rs780527503, ClinGen allele CA3877359.

ClinVar aggregate classification (germline): Uncertain significance. Review status: criteria provided, multiple submitters, no conflicts (2 of 4 stars). 3 submissions from 3 submitters: Uncertain significance (3). Last evaluated 2026-02-10.

Conditions:
Inborn genetic diseases. Identifiers: MedGen C0950123, MeSH D030342.

Allele frequency attached by ClinVar (database versions not stated): gnomAD 0.00001; TOPMed 0.00001; ExAC 0.00005; 1000 Genomes Project 30x 0.00031.
gnomAD v4.1: 11 of 1,551,136 alleles (0.00071%); highest among the groups gnomAD compares: East Asian, 0.012%; no homozygotes.

Submissions (3):

GeneDx
Classification: Uncertain significance. Last evaluated: 2026-02-10. Review status: criteria provided, single submitter. Criteria: GeneDx Variant Classification Process June 2021. Collection method: clinical testing. Allele origin: germline.
Comment: Not observed at significant frequency in large population cohorts (gnomAD); In silico analysis supports that this missense variant has a deleterious effect on protein structure/function; Has not been previously published as pathogenic or benign to our knowledge

Ambry Genetics
Classification: Uncertain significance for Inborn genetic diseases. Last evaluated: 2025-08-01. Review status: criteria provided, single submitter. Criteria: Ambry Variant Classification Scheme 2023. Collection method: clinical testing. Allele origin: germline.

Labcorp Genetics (formerly Invitae), Labcorp
Classification: Uncertain significance. Last evaluated: 2024-05-13. Review status: criteria provided, single submitter. Criteria: Invitae Variant Classification Sherloc (09022015). Collection method: clinical testing. Allele origin: germline.
Comment: This sequence change replaces aspartic acid, which is acidic and polar, with alanine, which is neutral and non-polar, at codon 646 of the EYS protein (p.Asp646Ala). This variant is present in population databases (rs780527503, gnomAD 0.01%). This variant has not been reported in the literature in individuals affected with EYS-related conditions. ClinVar contains an entry for this variant (Variation ID: 2201498). Advanced modeling of protein sequence and biophysical properties (such as structural, functional, and spatial information, amino acid conservation, physicochemical variation, residue mobility, and thermodynamic stability) has been performed at Invitae for this missense variant, however the output from this modeling did not meet the statistical confidence thresholds required to predict the impact of this variant on EYS protein function. In summary, the available evidence is currently insufficient to determine the role of this variant in disease. Therefore, it has been classified as a Variant of Uncertain Significance.